The following is an entry in ClinVar:

NM_001018005.2(TPM1):c.252C>T (p.Asp84=)

Gene: TPM1 (tropomyosin 1; plus strand). Cytogenetic location: 15q22.2.
Variant type: single nucleotide variant.
Coding change: c.252C>T on transcript NM_001018005.2 (MANE Select); coding-DNA position 252, C replaced by T.
Protein change: p.Asp84=; no amino-acid change (aspartic acid 84 retained).
Molecular consequence: synonymous variant.
Genome position (GRCh38, 1-based): chr15:63,056,996, C>T. VCF-style: chr15-63056996-C-T. GRCh37 (hg19) VCF-style: chr15-63349195-C-T.
Other names: c.252C>T, p.Asp84= (NM_000366.6, NM_001018004.2, NM_001018006.2 and 6 more transcripts); c.144C>T, p.Asp48= (NM_001018008.2, NM_001301289.2, NM_001330344.2 and 5 more transcripts); c.378C>T, p.Asp126= (NM_001365778.1).
Identifiers: ClinVar variation 43409 (VCV000043409.20), dbSNP rs369617788, ClinGen allele CA017915.
Genomic context (GRCh38, chr15:63,056,996, plus strand): 5'-CACCCTCACTTTCTCCCCAACTCTGAAATGCTTTTCACTCTCTACCTAGGCTGAAGCCGA[C>T]GTAGCTTCTCTGAACAGACGCATCCAGCTGGTTGAGGAAGAGTTGGATCGTGCCCAGGAG-3'
Protein context (NP_001018005.1, residues 74-94): AEKKATDAEA[Asp84=]VASLNRRIQL

ClinVar aggregate classification (germline): Likely benign. Review status: criteria provided, multiple submitters, no conflicts (2 of 4 stars). 6 submissions from 6 submitters: Likely benign (6). Last evaluated 2025-09-23.

Conditions:
Cardiovascular phenotype. Identifiers: MedGen CN230736.
Cardiomyopathy (CMYO). Also called: Cardiomyopathies. Identifiers: Orphanet 167848, MedGen C0878544, MONDO:0004994, HP:0001638. Inheritance: Various modes of inheritance.
Hypertrophic cardiomyopathy. Also called: HYPERTROPHIC MYOCARDIOPATHY. Identifiers: Orphanet 217569, MedGen C0007194, MeSH D002312, MONDO:0005045, HP:0001639.

Allele frequency attached by ClinVar (database versions not stated): gnomAD 0.00001; TOPMed 0.00001; ESP Exome Variant Server 0.00008.
gnomAD v4.1: 111 of 1,614,092 alleles (0.0069%); highest among the groups gnomAD compares: Non-Finnish European, 0.0092%; no homozygotes.

Submissions (6):

Labcorp Genetics (formerly Invitae), Labcorp
Classification: Likely benign for Hypertrophic cardiomyopathy. Last evaluated: 2025-09-23. Review status: criteria provided, single submitter. Criteria: Invitae Variant Classification Sherloc (09022015). Collection method: clinical testing. Allele origin: germline.

All of Us Research Program, National Institutes of Health
Classification: Likely benign for Hypertrophic cardiomyopathy. Last evaluated: 2023-12-18. Review status: criteria provided, single submitter. Criteria: ACMG Guidelines, 2015. Collection method: clinical testing. Allele origin: germline. Inheritance: Autosomal dominant inheritance. Observed: 7 variant alleles, 7 heterozygotes.
Comment: This study involves interpretation of variants in research participants for the purpose of population health screening. Participant phenotype was not available at the time of variant classification. Additional details can be found in publication PMID: 35346344, PMCID: PMC8962531

CHEO Genetics Diagnostic Laboratory, Children's Hospital of Eastern Ontario
Classification: Likely benign for Cardiomyopathy. Last evaluated: 2023-02-03. Review status: criteria provided, single submitter. Criteria: ACMG Guidelines, 2015. Collection method: clinical testing. Allele origin: germline.

Color Diagnostics, LLC DBA Color Health
Classification: Likely benign for Cardiomyopathy. Last evaluated: 2022-11-06. Review status: criteria provided, single submitter. Criteria: ACMG Guidelines, 2015. Collection method: clinical testing. Allele origin: germline.

Ambry Genetics
Classification: Likely benign for Cardiovascular phenotype. Last evaluated: 2020-12-01. Review status: criteria provided, single submitter. Criteria: Ambry Variant Classification Scheme 2023. Collection method: clinical testing. Allele origin: germline.

Laboratory for Molecular Medicine, Mass General Brigham Personalized Medicine
Classification: Likely benign. Last evaluated: 2008-03-25. Review status: criteria provided, single submitter. Criteria: LMM Criteria. Collection method: clinical testing. Allele origin: germline. Observed: 1 variant allele.